The following is an entry in ClinVar:

NM_001385503.1(CAPRIN2):c.728A>G (p.Lys243Arg)

Gene: CAPRIN2 (caprin family member 2; minus strand). Cytogenetic location: 12p11.21.
Variant type: single nucleotide variant.
Coding change: c.728A>G on transcript NM_001385503.1 (MANE Select); coding-DNA position 728, A replaced by G.
Protein change: p.Lys243Arg; replaces lysine 243 with arginine.
Molecular consequence: missense variant. On other transcripts: 5 prime UTR variant (24), non-coding transcript variant (5), intron variant (4).
Genome position (GRCh38, 1-based): chr12:30,731,432, T>C on the plus strand (A>G on the coding strand, the complement: CAPRIN2 is on the minus strand). VCF-style: chr12-30731432-T-C. GRCh37 (hg19) VCF-style: chr12-30884366-T-C.
Other names: c.971A>G, p.Lys324Arg (NM_001385516.1, NM_001385518.1, NM_023925.5 and 7 more transcripts); c.728A>G, p.Lys243Arg (NM_001385519.1, NM_001385520.1, NM_001385521.1 and 24 more transcripts); c.-29A>G (NM_001385528.1, NM_001385529.1, NM_001385531.1 and 21 more transcripts); c.-8-1150A>G (NM_001385546.1, NM_001385544.1, NM_001385543.1 and 1 more transcripts); short protein forms K243R, K324R.
Identifiers: ClinVar variation 2642814 (VCV002642814.24), dbSNP rs574786135, ClinGen allele CA6499998.

ClinVar aggregate classification (germline): Likely benign (1 of 4 stars; one submission).

Allele frequency attached by ClinVar (database versions not stated): TOPMed 0.00008; gnomAD 0.00021; gnomAD exomes 0.00044; ExAC 0.00108; 1000 Genomes Project 30x 0.00109; 1000 Genomes Project 0.00140.
gnomAD v4.1: 676 of 1,613,130 alleles (0.042%); highest among the groups gnomAD compares: South Asian, 0.62%; 9 homozygotes.

Submission:

CeGaT Center for Human Genetics Tuebingen
Classification: Likely benign. Last evaluated: 2023-04-01. Review status: criteria provided, single submitter. Criteria: CeGaT Center For Human Genetics Tuebingen Variant Classification Criteria Version 2. Collection method: clinical testing. Allele origin: germline. Affected: yes. Observed: 1 variant allele.
Comment: CAPRIN2: BS2